The following is an entry in ClinVar:

ClinVar aggregate classification (germline): Uncertain significance (1 of 4 stars; one submission).

Conditions:
Luscan-Lumish syndrome. Identifiers: Orphanet 597738, MedGen C4085873, MONDO:0014791, OMIM 616831.

Submission:

Labcorp Genetics (formerly Invitae), Labcorp
Classification: Uncertain significance for Luscan-Lumish syndrome. Last evaluated: 2020-08-03. Review status: criteria provided, single submitter. Criteria: Invitae Variant Classification Sherloc (09022015). Collection method: clinical testing. Allele origin: germline.
Comment: In summary, the available evidence is currently insufficient to determine the role of this variant in disease. Therefore, it has been classified as a Variant of Uncertain Significance. Algorithms developed to predict the effect of missense changes on protein structure and function are either unavailable or do not agree on the potential impact of this missense change (SIFT: "Tolerated"; PolyPhen-2: "Probably Damaging"; Align-GVGD: "Class C0"). This variant has not been reported in the literature in individuals with SETD2-related conditions. This variant is not present in population databases (ExAC no frequency). This sequence change replaces serine with threonine at codon 403 of the SETD2 protein (p.Ser403Thr). The serine residue is moderately conserved and there is a small physicochemical difference between serine and threonine.

NM_014159.7(SETD2):c.1208G>C (p.Ser403Thr)

Gene: SETD2 (SET domain containing 2, histone lysine methyltransferase; minus strand). Cytogenetic location: 3p21.31.
Variant type: single nucleotide variant.
Coding change: c.1208G>C on transcript NM_014159.7 (MANE Select); coding-DNA position 1208, G replaced by C.
Protein change: p.Ser403Thr; replaces serine 403 with threonine.
Molecular consequence: missense variant. On other transcripts: non-coding transcript variant (1).
Genome position (GRCh38, 1-based): chr3:47,123,428, C>G on the plus strand (G>C on the coding strand, the complement: SETD2 is on the minus strand). VCF-style: chr3-47123428-C-G. GRCh37 (hg19) VCF-style: chr3-47164918-C-G.
Other names: c.1076G>C, p.Ser359Thr (NM_001349370.3); short protein forms S359T, S403T.
Identifiers: ClinVar variation 1038791 (VCV001038791.5), dbSNP rs1196156010, ClinGen allele CA352531680.